The following is an entry in ClinVar:

NM_000307.5(POU3F4):c.914C>T (p.Ala305Val)

Gene: POU3F4 (POU class 3 homeobox 4; plus strand). Cytogenetic location: Xq21.1.
Variant type: single nucleotide variant.
Coding change: c.914C>T on transcript NM_000307.5 (MANE Select); coding-DNA position 914, C replaced by T.
Protein change: p.Ala305Val; replaces alanine 305 with valine.
Molecular consequence: missense variant.
Genome position (GRCh38, 1-based): chrX:83,509,238, C>T. VCF-style: chrX-83509238-C-T. GRCh37 (hg19) VCF-style: chrX-82764246-C-T.
Other names: short protein forms A305V.
Identifiers: ClinVar variation 1699084 (VCV001699084.4), dbSNP rs1354177998, ClinGen allele CA413752603.
Genomic context (GRCh38, chrX:83,509,238, plus strand): 5'-TCGAGGTGAGTGTCAAGGGCGTACTGGAGACGCATTTCCTCAAGTGTCCCAAGCCTGCCG[C>T]GCAGGAGATCTCCTCGCTGGCAGACAGCCTCCAGTTGGAGAAGGAAGTGGTGCGTGTCTG-3'
Protein context (NP_000298.3, residues 295-315): THFLKCPKPA[Ala305Val]QEISSLADSL

ClinVar aggregate classification (germline): Uncertain significance (1 of 4 stars; one submission).

Conditions:
X-linked mixed hearing loss with perilymphatic gusher. Also called: Deafness, X-linked 2; NANCE DEAFNESS; PERILYMPHATIC GUSHER-DEAFNESS SYNDROME; SENSORINEURAL DEAFNESS, PROFOUND, WITH OR WITHOUT A CONDUCTIVE COMPONENT, ASSOCIATED WITH A UNIQUE DEVELOPMENTAL ABNORMALITY OF THE EAR; Gusher syndrome. Identifiers: Orphanet 383, MedGen C1844678, MONDO:0010576, OMIM 304400.

Allele frequency attached by ClinVar (database versions not stated): gnomAD exomes 0.00001 and 0.00004.
gnomAD v4.1: 41 of 1,211,655 alleles (0.0034%); highest among the groups gnomAD compares: Non-Finnish European, 0.0042%; no homozygotes.

Submission:

Victorian Clinical Genetics Services, Murdoch Childrens Research Institute
Classification: Uncertain significance for X-linked mixed hearing loss with perilymphatic gusher. Last evaluated: 2020-05-21. Review status: criteria provided, single submitter. Criteria: ACMG Guidelines, 2015. Collection method: clinical testing. Allele origin: germline. Inheritance: X-linked inheritance.
Comment: Based on the classification scheme VCGS_Germline_v1.1.1, this variant is classified as VUS – 3A. Following criteria are met: 0102 - Loss-of-function is a known mechanism of disease for this gene. (N) 0109 - This gene is known to be associated with X-linked recessive disease, where carrier females are not known to be symptomatic (PMID: 31786483, PMID: 30176854). (N) 0200 - Variant is predicted to result in a missense amino acid change from alanine to valine (exon 1). (N) 0251 - Variant is heterozygous. (N) 0304 - Variant is present in gnomAD <0.01 for a recessive condition (2 heterozygotes, 0 homozygotes). (P) 0502 - Missense variant with conflicting in silico predictions and/or uninformative conservation. (N) 0602 - Variant is located in a hotspot region or cluster of pathogenic variants within the homeodomain (PDB, NCBI). (P) 0705 - No comparable variants have previous evidence for pathogenicity. (N) 0807 - Variant has not previously been reported in a clinical context. (N) 0905 - No segregation evidence has been identified for this variant in the literature. (N) 1007 - No published functional evidence has been identified for this variant. (N) 1208 - Inheritance information for this variant is not currently available. (N) Legend: (P) - Pathogenic, (N) - Neutral, (B) - Benign

Literature cited by the submitters: PubMed 30176854; PubMed 31786483.